The following is an entry in ClinVar:

ClinVar aggregate classification (germline): Uncertain significance (1 of 4 stars; one submission).

Conditions:
FG syndrome (FGS). Identifiers: MedGen C0220769, MONDO:0002010.

Submission:

Labcorp Genetics (formerly Invitae), Labcorp
Classification: Uncertain significance for FG syndrome. Last evaluated: 2022-10-11. Review status: criteria provided, single submitter. Criteria: Invitae Variant Classification Sherloc (09022015). Collection method: clinical testing. Allele origin: germline.
Comment: In summary, the available evidence is currently insufficient to determine the role of this variant in disease. Therefore, it has been classified as a Variant of Uncertain Significance. Advanced modeling of protein sequence and biophysical properties (such as structural, functional, and spatial information, amino acid conservation, physicochemical variation, residue mobility, and thermodynamic stability) performed at Invitae indicates that this missense variant is not expected to disrupt MED12 protein function. This variant has not been reported in the literature in individuals affected with MED12-related conditions. This variant is not present in population databases (gnomAD no frequency). This sequence change replaces glutamine, which is neutral and polar, with histidine, which is basic and polar, at codon 2023 of the MED12 protein (p.Gln2023His).

NM_005120.3(MED12):c.6069G>C (p.Gln2023His)

Gene: MED12 (mediator complex subunit 12; plus strand). Cytogenetic location: Xq13.1.
Variant type: single nucleotide variant.
Coding change: c.6069G>C on transcript NM_005120.3 (MANE Select); coding-DNA position 6069, G replaced by C.
Protein change: p.Gln2023His; replaces glutamine 2023 with histidine.
Molecular consequence: missense variant.
Genome position (GRCh38, 1-based): chrX:71,140,659, G>C. VCF-style: chrX-71140659-G-C. GRCh37 (hg19) VCF-style: chrX-70360509-G-C.
Other names: short protein forms Q2023H.
Identifiers: ClinVar variation 1917996 (VCV001917996.5), dbSNP rs1016041724, ClinGen allele CA413539706.